The following is an entry in ClinVar:

NM_003002.4(SDHD):c.326_327del (p.Gln109fs)

Gene: SDHD (succinate dehydrogenase complex subunit D; plus strand). Cytogenetic location: 11q23.1.
Variant type: Deletion.
Coding change: c.326_327del on transcript NM_003002.4 (MANE Select); coding-DNA positions 326 to 327, 2 bases deleted (AA; older notation c.326_327delAA).
Protein change: p.Gln109fs; shifts the reading frame from glutamine 109.
Molecular consequence: frameshift variant. On other transcripts: 3 prime UTR variant (1), non-coding transcript variant (1).
Genome position (GRCh38, 1-based): chr11:112,094,816-112,094,817, AA deleted. VCF-style (leftmost placement, unchanged base first): chr11-112094815-CAA-C. GRCh37 (hg19) VCF-style: chr11-111965539-CAA-C.
Other names: c.181_182del, p.Lys61fs (NM_001276503.2); c.209_210del, p.Gln70fs (NM_001276504.2); c.*24_*25del (NM_001276506.2); short protein forms K61fs, Q109fs, Q70fs.
Identifiers: ClinVar variation 823334 (VCV000823334.7), dbSNP rs1592786159, ClinGen allele CA915947749.
Genomic context (GRCh38, chr11:112,094,815, plus strand): 5'-AATTTCACTGTGGTTTTTTATTGATGTTATGATTTTTTCTTTTTCTTTAGGGGCCTTGGA[CAA>C]GTTGTTACTGACTATGTTCATGGGGATGCCTTGCAGAAAGCTGCCAAGGCAGGGCTTTTG-3'

ClinVar aggregate classification (germline): Pathogenic. Review status: criteria provided, multiple submitters, no conflicts (2 of 4 stars). 2 submissions from 2 submitters: Pathogenic (2). Last evaluated 2025-09-10.

Conditions:
Pheochromocytoma. Also called: MAX-Related Hereditary Paraganglioma-Pheochromocytoma Syndrome. Identifiers: Orphanet 29072, MedGen C0031511, MONDO:0008233, OMIM 171300, HP:0002666.
Cowden syndrome 3 (CWS3). Identifiers: Orphanet 201, MedGen CN166604, MONDO:0014045.
Paragangliomas with sensorineural hearing loss. Identifiers: MedGen C1868633.
Carney-Stratakis syndrome. Also called: PARAGANGLIOMA AND GASTROINTESTINAL STROMAL TUMOR. Identifiers: Orphanet 97286, MedGen C1847319, MONDO:0011740, OMIM 606864.
Hereditary cancer-predisposing syndrome. Also called: Tumor predisposition; Hereditary Cancer Syndrome; Neoplastic Syndromes, Hereditary; Hereditary neoplastic syndrome. Identifiers: Orphanet 140162, MedGen C0027672, MeSH D009386, MONDO:0015356.

Submissions (2):

Ambry Genetics
Classification: Pathogenic for Hereditary cancer-predisposing syndrome. Last evaluated: 2025-09-10. Review status: criteria provided, single submitter. Criteria: Ambry Variant Classification Scheme 2023. Collection method: clinical testing. Allele origin: germline.
Comment: The c.326_327delAA pathogenic mutation, located in coding exon 4 of the SDHD gene, results from a deletion of two nucleotides at nucleotide positions 326 to 327, causing a translational frameshift with a predicted alternate stop codon (p.Q109Rfs*4). This variant was reported in individual(s) with features consistent with SDHD-related hereditary pheochromocytoma-paraganglioma ( Ambry internal data). This alteration occurs at the 3' terminus of the gene, is not expected to trigger nonsense-mediated mRNA decay, and impacts the last 32% of the protein. However, premature stop codons are typically deleterious in nature and the impacted region is critical for protein function (Ambry internal data). This variant is considered to be rare based on population cohorts in the Genome Aggregation Database (gnomAD). Based on the supporting evidence, this variant is interpreted as a disease-causing mutation.

Labcorp Genetics (formerly Invitae), Labcorp
Classification: Pathogenic for Carney-Stratakis syndrome; Paragangliomas with sensorineural hearing loss; Pheochromocytoma; Cowden syndrome 3. Last evaluated: 2024-03-17. Review status: criteria provided, single submitter. Criteria: Invitae Variant Classification Sherloc (09022015). Collection method: clinical testing. Allele origin: germline.
Comment: This sequence change creates a premature translational stop signal (p.Gln109Argfs*4) in the SDHD gene. While this is not anticipated to result in nonsense mediated decay, it is expected to disrupt the last 51 amino acid(s) of the SDHD protein. This variant is not present in population databases (gnomAD no frequency). This variant has not been reported in the literature in individuals affected with SDHD-related conditions. ClinVar contains an entry for this variant (Variation ID: 823334). This variant disrupts a region of the SDHD protein in which other variant(s) (p.Leu139Arg) have been determined to be pathogenic (PMID: 11391798, 21348866). This suggests that this is a clinically significant region of the protein, and that variants that disrupt it are likely to be disease-causing. For these reasons, this variant has been classified as Pathogenic.

Literature cited by the submitters: PubMed 11391798 (cited by Labcorp Genetics (formerly Invitae), Labcorp); PubMed 21348866 (cited by Labcorp Genetics (formerly Invitae), Labcorp).